The following is an entry in ClinVar:

ClinVar aggregate classification (germline): Uncertain significance (1 of 4 stars; one submission).

Allele frequency attached by ClinVar (database versions not stated): ExAC 0.00001; gnomAD 0.00001; gnomAD exomes 0.00001; TOPMed 0.00001.
gnomAD v4.1: 8 of 1,613,946 alleles (0.0005%); highest among the groups gnomAD compares: Admixed American, 0.005%; no homozygotes.

Submission:

Labcorp Genetics (formerly Invitae), Labcorp
Classification: Uncertain significance. Last evaluated: 2022-10-13. Review status: criteria provided, single submitter. Criteria: Invitae Variant Classification Sherloc (09022015). Collection method: clinical testing. Allele origin: germline.
Comment: In summary, the available evidence is currently insufficient to determine the role of this variant in disease. Therefore, it has been classified as a Variant of Uncertain Significance. Advanced modeling of protein sequence and biophysical properties (such as structural, functional, and spatial information, amino acid conservation, physicochemical variation, residue mobility, and thermodynamic stability) has been performed at Invitae for this missense variant, however the output from this modeling did not meet the statistical confidence thresholds required to predict the impact of this variant on POC1B protein function. ClinVar contains an entry for this variant (Variation ID: 1039496). This variant has not been reported in the literature in individuals affected with POC1B-related conditions. This variant is present in population databases (rs552148954, gnomAD 0.006%). This sequence change replaces aspartic acid, which is acidic and polar, with glutamic acid, which is acidic and polar, at codon 25 of the POC1B protein (p.Asp25Glu).

NM_172240.3(POC1B):c.75C>A (p.Asp25Glu)

Genes: POC1B (POC1 centriolar protein B; minus strand), POC1B-DUSP6 (POC1B-DUSP6 readthrough; minus strand), POC1B-GALNT4 (POC1B-GALNT4 readthrough; minus strand), LOC130008356 (ATAC-STARR-seq lymphoblastoid silent region 4693; plus strand). Cytogenetic location: 12q21.33.
Variant type: single nucleotide variant.
Coding change: c.75C>A on transcript NM_172240.3 (MANE Select); coding-DNA position 75, C replaced by A.
Protein change: p.Asp25Glu; replaces aspartic acid 25 with glutamic acid.
Molecular consequence: missense variant. On other transcripts: 5 prime UTR variant (1), non-coding transcript variant (2).
Genome position (GRCh38, 1-based): chr12:89,525,145, G>T on the plus strand (C>A on the coding strand, the complement: POC1B is on the minus strand). VCF-style: chr12-89525145-G-T. GRCh37 (hg19) VCF-style: chr12-89918922-G-T.
Other names: c.75C>A, p.Asp25Glu (NM_001199781.2); c.335C>A, p.Thr112Asn (NM_001199782.1); c.-52C>A (NM_001199777.2); short protein forms D25E, T112N.
Identifiers: ClinVar variation 1039496 (VCV001039496.9), dbSNP rs552148954, ClinGen allele CA6714985.